The following is an entry in ClinVar:

NM_000059.4(BRCA2):c.5039C>A (p.Ser1680Tyr)

Gene: BRCA2 (BRCA2 DNA repair associated; plus strand). Cytogenetic location: 13q13.1.
Variant type: single nucleotide variant.
Coding change: c.5039C>A on transcript NM_000059.4 (MANE Select); coding-DNA position 5039, C replaced by A.
Protein change: p.Ser1680Tyr; replaces serine 1680 with tyrosine.
Molecular consequence: missense variant.
Genome position (GRCh38, 1-based): chr13:32,339,394, C>A. VCF-style: chr13-32339394-C-A. GRCh37 (hg19) VCF-style: chr13-32913531-C-A.
Other names: short protein forms S1680Y.
Identifiers: ClinVar variation 479369 (VCV000479369.15), dbSNP rs1555284041, ClinGen allele CA387783999.

ClinVar aggregate classification (germline): Conflicting classifications of pathogenicity. Review status: criteria provided, conflicting classifications (1 of 4 stars). 5 submissions from 5 submitters: Uncertain significance (4); Likely benign (1). Last evaluated 2024-12-25.

Conditions:
Hereditary cancer-predisposing syndrome. Also called: Neoplastic Syndromes, Hereditary; Hereditary Cancer Syndrome; Hereditary neoplastic syndrome; Tumor predisposition. Identifiers: Orphanet 140162, MedGen C0027672, MeSH D009386, MONDO:0015356.
Hereditary breast ovarian cancer syndrome. Also called: Hereditary breast and ovarian cancer syndrome (HBOC); Hereditary breast and ovarian cancer syndrome; Breast and ovarian cancer; BRCA1- and BRCA2-Associated Hereditary Breast and Ovarian Cancer; Hereditary breast and ovarian cancer; Hereditary breast and/or ovarian cancer syndrome. Identifiers: Orphanet 145, MedGen C0677776, MeSH D061325, MONDO:0003582. Disease mechanism: loss of function.

Allele frequency attached by ClinVar (database versions not stated): gnomAD exomes below 0.00001; TOPMed below 0.00001.
gnomAD v4.1: 1 of 1,595,878 alleles (0.000063%); highest among the groups gnomAD compares: South Asian, 0.0011%; no homozygotes.

Submissions (6):

Labcorp Genetics (formerly Invitae), Labcorp
Classification: Uncertain significance for Hereditary breast ovarian cancer syndrome. Last evaluated: 2024-12-25. Review status: criteria provided, single submitter. Criteria: Invitae Variant Classification Sherloc (09022015). Collection method: clinical testing. Allele origin: germline.
Comment: This sequence change replaces serine, which is neutral and polar, with tyrosine, which is neutral and polar, at codon 1680 of the BRCA2 protein (p.Ser1680Tyr). This variant is not present in population databases (gnomAD no frequency). This variant has not been reported in the literature in individuals affected with BRCA2-related conditions. ClinVar contains an entry for this variant (Variation ID: 479369). Invitae Evidence Modeling of protein sequence and biophysical properties (such as structural, functional, and spatial information, amino acid conservation, physicochemical variation, residue mobility, and thermodynamic stability) indicates that this missense variant is not expected to disrupt BRCA2 protein function with a negative predictive value of 95%. In summary, the available evidence is currently insufficient to determine the role of this variant in disease. Therefore, it has been classified as a Variant of Uncertain Significance.

University of Washington Department of Laboratory Medicine, University of Washington
Classification: Likely benign for Hereditary cancer-predisposing syndrome. Last evaluated: 2023-03-23. Review status: criteria provided, single submitter. Criteria: Dines et al. (Genet Med. 2020). Collection method: curation. Allele origin: germline.
Comment: Missense variant in a coldspot region where missense variants are very unlikely to be pathogenic (PMID:31911673).

BRCA2 exon 11 coldspot. Reclassification based on statistical prior probability.

Ambry Genetics
Classification: Uncertain significance for Hereditary cancer-predisposing syndrome. Last evaluated: 2022-02-28. Review status: criteria provided, single submitter. Criteria: Ambry Variant Classification Scheme 2023. Collection method: clinical testing. Allele origin: germline.
Comment: The p.S1680Y variant (also known as c.5039C>A), located in coding exon 10 of the BRCA2 gene, results from a C to A substitution at nucleotide position 5039. The serine at codon 1680 is replaced by tyrosine, an amino acid with dissimilar properties. This amino acid position is not well conserved in available vertebrate species. In addition, the in silico prediction for this alteration is inconclusive. Since supporting evidence is limited at this time, the clinical significance of this alteration remains unclear.

Color Diagnostics, LLC DBA Color Health
Classification: Uncertain significance for Hereditary cancer-predisposing syndrome. Last evaluated: 2021-03-17. Review status: criteria provided, single submitter. Criteria: ACMG Guidelines, 2015. Collection method: clinical testing. Allele origin: germline.
Comment: This missense variant replaces serine with tyrosine at codon 1680 of the BRCA2 protein. Computational prediction is inconclusive regarding the impact of this variant on protein structure and function (internally defined REVEL score threshold 0.5 < inconclusive < 0.7, PMID: 27666373). To our knowledge, functional studies have not been reported for this variant. This variant has not been reported in individuals affected with hereditary cancer in the literature. This variant has not been identified in the general population by the Genome Aggregation Database (gnomAD). The available evidence is insufficient to determine the role of this variant in disease conclusively. Therefore, this variant is classified as a Variant of Uncertain Significance.

Women's Health and Genetics/Laboratory Corporation of America, LabCorp
Classification: Uncertain significance. Last evaluated: 2017-07-17. Review status: criteria provided, single submitter. Criteria: LabCorp Variant Classification Summary - May 2015. Collection method: clinical testing. Allele origin: germline.
Comment: Variant summary: The BRCA2 c.5039C>A (p.Ser1680Tyr) variant located in a BRCA2 repeat domain (via InterPro) involves the alteration of a non-conserved nucleotide and 4/4 in silico tools (MutationTaster not captured here due to low p-value) predict a damaging outcome. However, these predictions have yet to be functionally assessed. This variant is absent in 118740 control chromosomes (ExAC). The variant of interest has not, to our knowledge, been reported in affected individuals via publications and/or reputable databases/clinical diagnostic laboratories. Because of the absence of clinical information and the lack of functional studies, the variant is classified as a "Variant of Uncertain Significance (VUS)," until additional information becomes available.

Dr. Peter K. Rogan Lab, Western University
No classification provided (evidence only). Condition: Thyroid cancer, nonmedullary, 1. Review status: no classification provided. Collection method: in vitro. Allele origin: not applicable. Functional consequence: retained intron. Not counted in ClinVar's aggregate classification.